The following is an entry in ClinVar:

NM_138393.4(REEP6):c.209+10C>T

Gene: REEP6 (receptor accessory protein 6; plus strand). Cytogenetic location: 19p13.3.
Variant type: single nucleotide variant.
Coding change: c.209+10C>T on transcript NM_138393.4 (MANE Select); 10 bases into the intron after coding-DNA position 209, C replaced by T.
Molecular consequence: intron variant.
Genome position (GRCh38, 1-based): chr19:1,495,397, C>T. VCF-style: chr19-1495397-C-T. GRCh37 (hg19) VCF-style: chr19-1495396-C-T.
Other names: c.209+10C>T (NM_001329556.1, NM_001329556.3).
Identifiers: ClinVar variation 1089542 (VCV001089542.11), dbSNP rs573005112, ClinGen allele CA9047433.
Genomic context (GRCh38, chr19:1,495,397, plus strand): 5'-AGCGTCTCTGCTGTGCAATCTCATCGGATTTGTGTACCCCGCATATGCCTCGTGAGTGCA[C>T]GGCTGGCTGCCCACGCGGGGGGTTCTGGGGGCTCCCTGGCAGCCCCTGACCCTGCTGCAC-3'

ClinVar aggregate classification (germline): Likely benign. Review status: criteria provided, multiple submitters, no conflicts (2 of 4 stars). 3 submissions from 3 submitters: Likely benign (3). Last evaluated 2025-10-29.

Conditions:
REEP6-related disorder. Also called: REEP6-related condition.

Allele frequency attached by ClinVar (database versions not stated): gnomAD 0.00008 and 0.00009; gnomAD exomes 0.00010; 1000 Genomes Project 30x 0.00031; 1000 Genomes Project 0.00040.
gnomAD v4.1: 88 of 1,613,750 alleles (0.0055%); highest among the groups gnomAD compares: Admixed American, 0.04%; no homozygotes.

Submissions (3):

Labcorp Genetics (formerly Invitae), Labcorp
Classification: Likely benign. Last evaluated: 2025-10-29. Review status: criteria provided, single submitter. Criteria: Invitae Variant Classification Sherloc (09022015). Collection method: clinical testing. Allele origin: germline.

PreventionGenetics, part of Exact Sciences
Classification: Likely benign for REEP6-related condition. Last evaluated: 2024-10-17. Review status: criteria provided, single submitter. Criteria: ACMG Guidelines, 2015. Collection method: clinical testing. Allele origin: germline.
Comment: This variant is classified as likely benign based on ACMG/AMP sequence variant interpretation guidelines (Richards et al. 2015 PMID: 25741868, with internal and published modifications).

Blueprint Genetics
Classification: Likely benign. Last evaluated: 2024-08-13. Review status: criteria provided, single submitter. Criteria: ACMG Guidelines, 2015. Collection method: clinical testing. Allele origin: germline.